The following is an entry in ClinVar:

ClinVar aggregate classification (germline): Pathogenic (1 of 4 stars; one submission).

Submission:

Athena Diagnostics
Classification: Pathogenic. Last evaluated: 2020-10-30. Review status: criteria provided, single submitter. Criteria: Athena Diagnostics criteria. Collection method: clinical testing. Allele origin: unknown.
Comment: This variant has not been reported in large, multi-ethnic general populations. In-frame deletions such as this one are typically associated with Becker muscular dystrophy (BMD). Yet, deletions of exons 45-51 have been reported in patients with BMD and Duchenne muscular dystrophy (DMD).

Literature cited by the submitters: PubMed 17259292; PubMed 19937601; PubMed 10619712; PubMed 11388892; PubMed 15845029; PubMed 16936400; PubMed 9028449; PubMed 9048922; PubMed 18752307; PubMed 16876015; PubMed 20036901.

Single allele

Gene: DMD (dystrophin; minus strand). Cytogenetic location: Xp21.1.
Variant type: Deletion.
Identifiers: ClinVar variation 1256410 (VCV001256410.1).